The following is an entry in ClinVar:

NM_001008537.3(NEXMIF):c.3493C>T (p.Gln1165Ter)

Gene: NEXMIF (neurite extension and migration factor; minus strand). Cytogenetic location: Xq13.3.
Variant type: single nucleotide variant.
Coding change: c.3493C>T on transcript NM_001008537.3 (MANE Select); coding-DNA position 3493, C replaced by T.
Protein change: p.Gln1165Ter; replaces glutamine 1165 with a stop codon.
Molecular consequence: nonsense.
Genome position (GRCh38, 1-based): chrX:74,741,064, G>A on the plus strand (C>T on the coding strand, the complement: NEXMIF is on the minus strand). VCF-style: chrX-74741064-G-A. GRCh37 (hg19) VCF-style: chrX-73960899-G-A.
Other names: short protein forms Q1165*.
Identifiers: ClinVar variation 589459 (VCV000589459.5), dbSNP rs1569335056, ClinGen allele CA413665696.

ClinVar aggregate classification (germline): Pathogenic (1 of 4 stars; one submission).

Submission:

Ambry Genetics
Classification: Pathogenic. Last evaluated: 2016-11-25. Review status: criteria provided, single submitter. Criteria: Ambry Variant Classification Scheme 2023. Collection method: clinical testing. Allele origin: germline.
Comment: The p.Q1165* pathogenic mutation (also known as c.3493C>T), located in coding exon 2 of the KIAA2022 gene, results from a C to T substitution at nucleotide position 3493. This changes the amino acid from a glutamine to a stop codon within coding exon 2. This alteration is expected to result in loss of function by premature protein truncation or nonsense-mediated mRNA decay. As such, this alteration is interpreted as a disease-causing mutation.